The following is an entry in ClinVar:

NM_000053.4(ATP7B):c.368_369insTTCGAAGC (p.Ile125fs)

Gene: ATP7B (ATPase copper transporting beta; minus strand). Cytogenetic location: 13q14.3.
Variant type: Insertion.
Coding change: c.368_369insTTCGAAGC on transcript NM_000053.4 (MANE Select); coding-DNA positions 368 to 369, TTCGAAGC inserted.
Protein change: p.Ile125fs; shifts the reading frame from isoleucine 125.
Molecular consequence: frameshift variant.
Genome position: GRCh38 VCF-style: chr13-51974851-G-GGCTTCGAA. GRCh37 (hg19) VCF-style: chr13-52548987-G-GGCTTCGAA.
Other names: c.368_369insTTCGAAGC, p.Ile125fs (NM_001005918.3, NM_001243182.2, NM_001330578.2 and 1 more transcripts); c.368_369insTTCGAAGC (NM_000053.3); short protein forms I125fs.
Identifiers: ClinVar variation 3234948 (VCV003234948.3), dbSNP rs1194199486, ClinGen allele CA610425845.

ClinVar aggregate classification (germline): Pathogenic/Likely pathogenic. Review status: criteria provided, multiple submitters, no conflicts (2 of 4 stars). 2 submissions from 2 submitters: Pathogenic (1); Likely pathogenic (1). Last evaluated 2025-07-10.

Conditions:
Inborn genetic diseases. Identifiers: MedGen C0950123, MeSH D030342.
Wilson disease (WND). Also called: Wilson's disease. Identifiers: Orphanet 905, MedGen C0019202, MONDO:0010200, OMIM 277900. Disease mechanism: loss of function.

Submissions (2):

Ambry Genetics
Classification: Pathogenic for Inborn genetic diseases. Last evaluated: 2025-07-10. Review status: criteria provided, single submitter. Criteria: Ambry Variant Classification Scheme 2023. Collection method: clinical testing. Allele origin: germline.
Comment: The c.368_369insTTCGAAGC (p.I125Kfs*31) alteration, located in exon 2 (coding exon 2) of the ATP7B gene, consists of an insertion of TTCGAAGC at position 368, causing a translational frameshift with a predicted alternate stop codon after 31 amino acids. This alteration is expected to result in loss of function by premature protein truncation or nonsense-mediated mRNA decay. Based on data from gnomAD, the TTCGAAGC allele has an overall frequency of <0.001% (1/249426) total alleles studied. The highest observed frequency was 0.003% (1/30602) of South Asian alleles. Based on the available evidence, this alteration is classified as pathogenic.

Neuberg Centre For Genomic Medicine, NCGM
Classification: Likely pathogenic for Wilson disease. Review status: criteria provided, single submitter. Criteria: ACMG Guidelines, 2015. Collection method: clinical testing. Allele origin: germline. Inheritance: Autosomal recessive inheritance. Affected: yes.
Comment: The missense c.365A>G (p.Glu122Gly) variant in ATP7B gene has not been reported previously as a pathogenic variant nor as a benign variant, to our knowledge. Another variant [c.365_366delinsTTCGAAGC (p.Glu122GlyfsTer)] has previously been reported in individuals affected with Wilson disease as one of the most common variant in Indian population (Aggarwal et al. 2013), suggesting that this might be a clinically significant residue. The p.Glu122Gly variant is reported with an allele frequency of 0.0004% in the gnomAD Exomes database. This variant has been submitted to the ClinVar database as Uncertain Significance. The amino acid change p.Glu122Gly in ATP7B is predicted as conserved by GERP++ and PhyloP across 100 vertebrates. The amino acid Glu at position 122 is changed to a Gly changing protein sequence and it might alter its composition and physico-chemical properties. Additional studies will be required to prove the pathogenicity of this variant. For these reasons, this variant has been classified as a Variant of Uncertain Significance (VUS).